The following is an entry in ClinVar:

NM_002473.6(MYH9):c.928A>G (p.Ile310Val)

Gene: MYH9 (myosin heavy chain 9; minus strand). Cytogenetic location: 22q12.3.
Variant type: single nucleotide variant.
Coding change: c.928A>G on transcript NM_002473.6 (MANE Select); coding-DNA position 928, A replaced by G.
Protein change: p.Ile310Val; replaces isoleucine 310 with valine.
Molecular consequence: missense variant.
Genome position (GRCh38, 1-based): chr22:36,320,304, T>C on the plus strand (A>G on the coding strand, the complement: MYH9 is on the minus strand). VCF-style: chr22-36320304-T-C. GRCh37 (hg19) VCF-style: chr22-36716349-T-C.
Other names: short protein forms I310V.
Identifiers: ClinVar variation 228931 (VCV000228931.12), dbSNP rs149789202, ClinGen allele CA10210421.
Genomic context (GRCh38, chr22:36,320,304, plus strand): 5'-CCATAATCCTCATGGCCTCCATGGTCTCCTGGAACATGTCCTTGTCCTGCTGCCCGGGGA[T>C]GGTGACGTGTCCATTGGACAGGAAGCGGTATTTGTTGTACGGCTCCAACAGGAGATCGGC-3'
Protein context (NP_002464.1, residues 300-320): YRFLSNGHVT[Ile310Val]PGQQDKDMFQ

ClinVar aggregate classification (germline): Conflicting classifications of pathogenicity. Review status: criteria provided, conflicting classifications (1 of 4 stars). 5 submissions from 5 submitters: Uncertain significance (3); Likely benign (2). Last evaluated 2026-01-09.

Conditions:
Inborn genetic diseases. Identifiers: MedGen C0950123, MeSH D030342.
Macrothrombocytopenia and granulocyte inclusions with or without nephritis or sensorineural hearing loss (MATINS). Also called: BLEEDING DISORDER, PLATELET-TYPE, 6; MACROTHROMBOCYTOPENIA, NEPHRITIS, AND DEAFNESS; MACROTHROMBOCYTOPENIA, NEPHRITIS, DEAFNESS, AND LEUKOCYTE INCLUSIONS; ALPORT SYNDROME WITH MACROTHROMBOCYTOPENIA; Fechtner syndrome; Epstein syndrome. Identifiers: Orphanet 182050, MedGen C5200934, MONDO:0015912, OMIM 155100.
Autosomal dominant nonsyndromic hearing loss 17. Also called: Autosomal dominant nonsyndromic deafness 17; Deafness, autosomal dominant 17. Identifiers: Orphanet 90635, MedGen C1863659, MONDO:0011350, OMIM 603622.

Allele frequency attached by ClinVar (database versions not stated): gnomAD exomes 0.00001 and 0.00002; ExAC 0.00005; TOPMed 0.00011; gnomAD 0.00013; ESP Exome Variant Server 0.00023; 1000 Genomes Project 0.00040; 1000 Genomes Project 30x 0.00047.

Submissions (5):

Labcorp Genetics (formerly Invitae), Labcorp
Classification: Likely benign. Last evaluated: 2026-01-09. Review status: criteria provided, single submitter. Criteria: Invitae Variant Classification Sherloc (09022015). Collection method: clinical testing. Allele origin: germline.

Ambry Genetics
Classification: Likely benign for Inborn genetic diseases. Last evaluated: 2025-10-06. Review status: criteria provided, single submitter. Criteria: Ambry Variant Classification Scheme 2023. Collection method: clinical testing. Allele origin: germline.

Fulgent Genetics
Classification: Uncertain significance for Macrothrombocytopenia and granulocyte inclusions with or without nephritis or sensorineural hearing loss; Autosomal dominant nonsyndromic hearing loss 17. Last evaluated: 2022-04-26. Review status: criteria provided, single submitter. Criteria: ACMG Guidelines, 2015. Collection method: clinical testing. Allele origin: unknown.

GeneDx
Classification: Uncertain significance. Last evaluated: 2022-02-04. Review status: criteria provided, single submitter. Criteria: GeneDx Variant Classification Process June 2021. Collection method: clinical testing. Allele origin: germline. Affected: yes.
Comment: In silico analysis supports that this missense variant does not alter protein structure/function; Has not been previously published as pathogenic or benign to our knowledge

Laboratory for Molecular Medicine, Mass General Brigham Personalized Medicine
Classification: Uncertain significance. Last evaluated: 2016-02-09. Review status: criteria provided, single submitter. Criteria: LMM Criteria. Collection method: clinical testing. Allele origin: germline. Observed: 1 variant allele.
Comment: The p.Ile310Val variant in MYH9 has not been previously identified in individual s with hearing loss, but has been identified in 6/10406 African chromosomes by t he Exome Aggregation Consortium (ExAC; dbSNP rs1 49789202). Computational prediction tools and conservation analysis do not provi de strong support for or against an impact to the protein. In summary, the clini cal significance of the p.Ile310Val variant is uncertain.